The following is an entry in ClinVar:

NM_003721.4(RFXANK):c.331C>T (p.Arg111Trp)

Gene: RFXANK (regulatory factor X associated ankyrin containing protein; plus strand). Cytogenetic location: 19p13.11.
Variant type: single nucleotide variant.
Coding change: c.331C>T on transcript NM_003721.4 (MANE Select); coding-DNA position 331, C replaced by T.
Protein change: p.Arg111Trp; replaces arginine 111 with tryptophan.
Molecular consequence: missense variant. On other transcripts: intron variant (4).
Genome position (GRCh38, 1-based): chr19:19,197,245, C>T. VCF-style: chr19-19197245-C-T. GRCh37 (hg19) VCF-style: chr19-19308054-C-T.
Other names: c.271+199C>T (NM_001278727.2, NM_001370234.1); c.268+199C>T (NM_134440.3, NM_001278728.2); c.331C>T (NM_003721.2); c.331C>T, p.Arg111Trp (NM_001370233.1, NM_001370238.1); c.328C>T, p.Arg110Trp (NM_001370235.1, NM_001370236.1, NM_001370237.1); short protein forms R111W, R110W.
Identifiers: ClinVar variation 574851 (VCV000574851.9), dbSNP rs764895631, ClinGen allele CA9322680.

ClinVar aggregate classification (germline): Uncertain significance. Review status: criteria provided, multiple submitters, no conflicts (2 of 4 stars). 2 submissions from 2 submitters: Uncertain significance (2). Last evaluated 2025-12-11.

Conditions:
Inborn genetic diseases. Identifiers: MedGen C0950123, MeSH D030342.
MHC class II deficiency. Also called: Bare lymphocyte syndrome 2; BLS, TYPE II. Identifiers: Orphanet 572, MedGen C5447452, MONDO:0008855.

Allele frequency attached by ClinVar (database versions not stated): ExAC 0.00003; gnomAD 0.00005; TOPMed 0.00005; gnomAD exomes 0.00006.
gnomAD v4.1: 52 of 1,612,774 alleles (0.0032%); highest among the groups gnomAD compares: East Asian, 0.013%; no homozygotes.

Submissions (2):

Labcorp Genetics (formerly Invitae), Labcorp
Classification: Uncertain significance for MHC class II deficiency. Last evaluated: 2025-12-11. Review status: criteria provided, single submitter. Criteria: Invitae Variant Classification Sherloc (09022015). Collection method: clinical testing. Allele origin: germline.
Comment: This sequence change replaces arginine, which is basic and polar, with tryptophan, which is neutral and slightly polar, at codon 111 of the RFXANK protein (p.Arg111Trp). This variant is present in population databases (rs764895631, gnomAD 0.03%). This variant has not been reported in the literature in individuals affected with RFXANK-related conditions. ClinVar contains an entry for this variant (Variation ID: 574851). Invitae Evidence Modeling of protein sequence and biophysical properties (such as structural, functional, and spatial information, amino acid conservation, physicochemical variation, residue mobility, and thermodynamic stability) indicates that this missense variant is not expected to disrupt RFXANK protein function with a negative predictive value of 80%. In summary, the available evidence is currently insufficient to determine the role of this variant in disease. Therefore, it has been classified as a Variant of Uncertain Significance.

Ambry Genetics
Classification: Uncertain significance for Inborn genetic diseases. Last evaluated: 2022-08-17. Review status: criteria provided, single submitter. Criteria: Ambry Variant Classification Scheme 2023. Collection method: clinical testing. Allele origin: germline.